The following is an entry in ClinVar:

ClinVar aggregate classification (germline): Uncertain significance. Review status: criteria provided, multiple submitters, no conflicts (2 of 4 stars). 2 submissions from 2 submitters: Uncertain significance (2). Last evaluated 2025-06-01.

Conditions:
Juvenile polyposis syndrome (JPS). Identifiers: Orphanet 2929, MedGen C0345893, MONDO:0017380, OMIM 174900.
Hereditary cancer-predisposing syndrome. Also called: Hereditary neoplastic syndrome; Neoplastic Syndromes, Hereditary; Tumor predisposition; Hereditary Cancer Syndrome. Identifiers: Orphanet 140162, MedGen C0027672, MeSH D009386, MONDO:0015356.
Familial thoracic aortic aneurysm and aortic dissection (TAAD). Also called: Thoracic aortic aneurysms and dissections. Identifiers: Orphanet 91387, MedGen C4707243, MONDO:0019625.

Submissions (2):

Ambry Genetics
Classification: Uncertain significance for Hereditary cancer-predisposing syndrome; Familial thoracic aortic aneurysm and aortic dissection. Last evaluated: 2025-06-01. Review status: criteria provided, single submitter. Criteria: Ambry Variant Classification Scheme 2023. Collection method: clinical testing. Allele origin: germline.
Comment: The p.A202T variant (also known as c.604G>A), located in coding exon 4 of the SMAD4 gene, results from a G to A substitution at nucleotide position 604. The alanine at codon 202 is replaced by threonine, an amino acid with similar properties. This amino acid position is conserved. In addition, the in silico prediction for this alteration is inconclusive. Based on the available evidence, the clinical significance of this variant remains unclear.

Labcorp Genetics (formerly Invitae), Labcorp
Classification: Uncertain significance for Juvenile polyposis syndrome. Last evaluated: 2020-08-28. Review status: criteria provided, single submitter. Criteria: Invitae Variant Classification Sherloc (09022015). Collection method: clinical testing. Allele origin: germline.
Comment: In summary, the available evidence is currently insufficient to determine the role of this variant in disease. Therefore, it has been classified as a Variant of Uncertain Significance. Advanced modeling of protein sequence and biophysical properties (such as structural, functional, and spatial information, amino acid conservation, physicochemical variation, residue mobility, and thermodynamic stability) performed at Invitae indicates that this missense variant is not expected to disrupt SMAD4 protein function. This variant has not been reported in the literature in individuals with SMAD4-related conditions. This variant is not present in population databases (ExAC no frequency). This sequence change replaces alanine with threonine at codon 202 of the SMAD4 protein (p.Ala202Thr). The alanine residue is moderately conserved and there is a small physicochemical difference between alanine and threonine.

NM_005359.6(SMAD4):c.604G>A (p.Ala202Thr)

Gene: SMAD4 (SMAD family member 4; plus strand). Cytogenetic location: 18q21.2.
Variant type: single nucleotide variant.
Coding change: c.604G>A on transcript NM_005359.6 (MANE Select); coding-DNA position 604, G replaced by A.
Protein change: p.Ala202Thr; replaces alanine 202 with threonine.
Molecular consequence: missense variant.
Genome position (GRCh38, 1-based): chr18:51,054,930, G>A. VCF-style: chr18-51054930-G-A. GRCh37 (hg19) VCF-style: chr18-48581300-G-A.
Other names: c.604G>A (NM_005359.5); short protein forms A202T.
Identifiers: ClinVar variation 1044657 (VCV001044657.9), dbSNP rs1909800453, ClinGen allele CA402461132.